The following is an entry in ClinVar:

ClinVar aggregate classification (germline): Uncertain significance (1 of 4 stars; one submission).

Submission:

GeneDx
Classification: Uncertain significance. Last evaluated: 2024-05-29. Review status: criteria provided, single submitter. Criteria: GeneDx Variant Classification Process June 2021. Collection method: clinical testing. Allele origin: germline.
Comment: Not observed at significant frequency in large population cohorts (gnomAD); In silico analysis supports that this missense variant does not alter protein structure/function; Has not been previously published as pathogenic or benign to our knowledge

NM_001080517.3(SETD5):c.4277G>C (p.Arg1426Pro)

Gene: SETD5 (SET domain containing 5; plus strand). Cytogenetic location: 3p25.3.
Variant type: single nucleotide variant.
Coding change: c.4277G>C on transcript NM_001080517.3 (MANE Select); coding-DNA position 4277, G replaced by C.
Protein change: p.Arg1426Pro; replaces arginine 1426 with proline.
Molecular consequence: missense variant.
Genome position (GRCh38, 1-based): chr3:9,476,039, G>C. VCF-style: chr3-9476039-G-C. GRCh37 (hg19) VCF-style: chr3-9517723-G-C.
Other names: c.3983G>C, p.Arg1328Pro (NM_001292043.2, NM_001349451.2); short protein forms R1328P, R1426P.
Identifiers: ClinVar variation 2502660 (VCV002502660.2), dbSNP rs757364157, ClinGen allele CA351695484.
Genomic context (GRCh38, chr3:9,476,039, plus strand): 5'-CTGCGGTTTCCAATTCACAGCACTACCCACACCGTGGGAGTGGGGGTGTGCACCAGTACC[G>C]ACTCCAGCCACTGCAAGGGTCAGGAGTCAAGACTCAGACGGGACTTTCCTAGGGCTTCTG-3'
Protein context (NP_001073986.1, residues 1416-1436): HRGSGGVHQY[Arg1426Pro]LQPLQGSGVK